The following is an entry in ClinVar:

NM_194277.3(FRMD7):c.741+6T>C

Gene: FRMD7 (FERM domain containing 7; minus strand). Cytogenetic location: Xq26.2.
Variant type: single nucleotide variant.
Coding change: c.741+6T>C on transcript NM_194277.3 (MANE Select); 6 bases into the intron after coding-DNA position 741, T replaced by C.
Molecular consequence: intron variant.
Genome position (GRCh38, 1-based): chrX:132,084,484, A>G on the plus strand (T>C on the coding strand, the complement: FRMD7 is on the minus strand). VCF-style: chrX-132084484-A-G. GRCh37 (hg19) VCF-style: chrX-131218512-A-G.
Other names: c.696+6T>C (NM_001306193.2).
Identifiers: ClinVar variation 1021804 (VCV001021804.8), dbSNP rs1927920556, ClinGen allele CA2458955371.

ClinVar aggregate classification (germline): Uncertain significance (1 of 4 stars; one submission).

Allele frequency attached by ClinVar (database versions not stated): gnomAD exomes below 0.00001.
gnomAD v4.1: 1 of 1,087,802 alleles (0.000092%); highest among the groups gnomAD compares: Non-Finnish European, 0.00013%; no homozygotes.

Submission:

Labcorp Genetics (formerly Invitae), Labcorp
Classification: Uncertain significance. Last evaluated: 2023-06-08. Review status: criteria provided, single submitter. Criteria: Invitae Variant Classification Sherloc (09022015). Collection method: clinical testing. Allele origin: germline.
Comment: This variant has not been reported in the literature in individuals affected with FRMD7-related conditions. In summary, the available evidence is currently insufficient to determine the role of this variant in disease. Therefore, it has been classified as a Variant of Uncertain Significance. Variants that disrupt the consensus splice site are a relatively common cause of aberrant splicing (PMID: 17576681, 9536098). Algorithms developed to predict the effect of sequence changes on RNA splicing suggest that this variant is not likely to affect RNA splicing. ClinVar contains an entry for this variant (Variation ID: 1021804). This variant is not present in population databases (gnomAD no frequency). This sequence change falls in intron 8 of the FRMD7 gene. It does not directly change the encoded amino acid sequence of the FRMD7 protein. It affects a nucleotide within the consensus splice site.

Literature cited by the submitters: PubMed 17576681; PubMed 9536098.